The following is an entry in ClinVar:

ClinVar aggregate classification (germline): Uncertain significance. Review status: criteria provided, multiple submitters, no conflicts (2 of 4 stars). 2 submissions from 2 submitters: Uncertain significance (2). Last evaluated 2022-07-26.

Conditions:
Lafora disease. Also called: Epilepsy progressive myoclonic 2. Identifiers: Orphanet 501, MedGen C0751783, MONDO:0009697.

Allele frequency attached by ClinVar (database versions not stated): gnomAD 0.00002; gnomAD exomes 0.00006 and 0.00002; ExAC 0.00002; ESP Exome Variant Server 0.00008; TOPMed 0.00001.

Submissions (2):

Labcorp Genetics (formerly Invitae), Labcorp
Classification: Uncertain significance for Lafora disease. Last evaluated: 2022-07-26. Review status: criteria provided, single submitter. Criteria: Invitae Variant Classification Sherloc (09022015). Collection method: clinical testing. Allele origin: germline.
Comment: This sequence change replaces aspartic acid, which is acidic and polar, with glycine, which is neutral and non-polar, at codon 381 of the NHLRC1 protein (p.Asp381Gly). This variant is present in population databases (rs200201752, gnomAD 0.004%). This missense change has been observed in individual(s) with NHLRC1-related conditions (PMID: 29655203). ClinVar contains an entry for this variant (Variation ID: 206192). Advanced modeling of protein sequence and biophysical properties (such as structural, functional, and spatial information, amino acid conservation, physicochemical variation, residue mobility, and thermodynamic stability) performed at Invitae indicates that this missense variant is expected to disrupt NHLRC1 protein function. In summary, the available evidence is currently insufficient to determine the role of this variant in disease. Therefore, it has been classified as a Variant of Uncertain Significance.

GeneDx
Classification: Uncertain significance. Last evaluated: 2020-06-29. Review status: criteria provided, single submitter. Criteria: GeneDx Variant Classification Process June 2021. Collection method: clinical testing. Allele origin: germline. Affected: yes.
Comment: Reported in a patient with a neurodevelopmental disorder (Lindy et al., 2018); Not observed at a significant frequency in large population cohorts (Lek et al., 2016); In silico analysis supports that this missense variant has a deleterious effect on protein structure/function; This variant is associated with the following publications: (PMID: 29655203)

Literature cited by the submitters: PubMed 29655203 (cited by Labcorp Genetics (formerly Invitae), Labcorp).

NM_198586.3(NHLRC1):c.1142A>G (p.Asp381Gly)

Gene: NHLRC1 (NHL repeat containing E3 ubiquitin protein ligase 1; minus strand). Cytogenetic location: 6p22.3.
Variant type: single nucleotide variant.
Coding change: c.1142A>G on transcript NM_198586.3 (MANE Select); coding-DNA position 1142, A replaced by G.
Protein change: p.Asp381Gly; replaces aspartic acid 381 with glycine.
Molecular consequence: missense variant.
Genome position (GRCh38, 1-based): chr6:18,121,465, T>C on the plus strand (A>G on the coding strand, the complement: NHLRC1 is on the minus strand). VCF-style: chr6-18121465-T-C. GRCh37 (hg19) VCF-style: chr6-18121696-T-C.
Other names: p.D381G:GAC>GGC; short protein forms D381G.
Identifiers: ClinVar variation 206192 (VCV000206192.6), dbSNP rs200201752, ClinGen allele CA316040.